The following is an entry in ClinVar:

ClinVar aggregate classification (germline): Uncertain significance. Review status: criteria provided, multiple submitters, no conflicts (2 of 4 stars). 2 submissions from 2 submitters: Uncertain significance (2). Last evaluated 2025-06-12.

gnomAD v4.1: 255 of 1,614,204 alleles (0.016%); highest among the groups gnomAD compares: South Asian, 0.27%; 4 homozygotes.

Submissions (2):

GeneDx
Classification: Uncertain significance. Last evaluated: 2025-06-12. Review status: criteria provided, single submitter. Criteria: GeneDx Variant Classification Process June 2021. Collection method: clinical testing. Allele origin: germline.
Comment: In silico analysis supports that this missense variant has a deleterious effect on protein structure/function; Has not been previously published as pathogenic or benign to our knowledge

Blueprint Genetics
Classification: Uncertain significance. Last evaluated: 2022-07-07. Review status: criteria provided, single submitter. Criteria: ACMG Guidelines, 2015. Collection method: clinical testing. Allele origin: germline.

NM_001377299.1(NDUFS2):c.1234G>C (p.Val412Leu)

Gene: NDUFS2 (NADH:ubiquinone oxidoreductase core subunit S2; plus strand). Cytogenetic location: 1q23.3.
Variant type: single nucleotide variant.
Coding change: c.1234G>C on transcript NM_001377299.1 (MANE Select); coding-DNA position 1234, G replaced by C.
Protein change: p.Val412Leu; replaces valine 412 with leucine.
Molecular consequence: missense variant. On other transcripts: non-coding transcript variant (1).
Genome position (GRCh38, 1-based): chr1:161,213,670, G>C. VCF-style: chr1-161213670-G-C. GRCh37 (hg19) VCF-style: chr1-161183460-G-C.
Other names: c.1234G>C, p.Val412Leu (NM_001166159.2, NM_001377298.1, NM_001377300.1 and 3 more transcripts); c.1156G>C, p.Val386Leu (NM_001410889.1); short protein forms V386L, V412L.
Identifiers: ClinVar variation 3375632 (VCV003375632.2).